The following is an entry in ClinVar:

ClinVar aggregate classification (germline): Conflicting classifications of pathogenicity. Review status: criteria provided, conflicting classifications (1 of 4 stars). 12 submissions from 12 submitters: Uncertain significance (7); Likely benign (2). 3 of the submissions do not count toward it. Last evaluated 2026-01-29.

Conditions:
Cardiovascular phenotype. Identifiers: MedGen CN230736.
Atrial septal defect 3 (ASD3). Identifiers: Orphanet 1478, MedGen C3279790, MONDO:0013567, OMIM 614089.
Sick sinus syndrome 3, susceptibility to (SSS3). Identifiers: Orphanet 166282, MedGen C3279791, MONDO:0013568, OMIM 614090.
Dilated cardiomyopathy 1EE (CMD1EE). Identifiers: Orphanet 154, MedGen C2750466, MONDO:0013198, OMIM 613252.
Hypertrophic cardiomyopathy 1 (CMH1). Also called: MYH7-Related Familial Hypertrophic Cardiomyopathy; Familial hypertrophic cardiomyopathy 1. Identifiers: MedGen C3495498, MONDO:0008647, OMIM 192600.
Hypertrophic cardiomyopathy 14. Identifiers: MedGen C2750467, MONDO:0013197, OMIM 613251.
Cardiomyopathy (CMYO). Also called: Cardiomyopathies. Identifiers: Orphanet 167848, MedGen C0878544, MONDO:0004994, HP:0001638. Inheritance: Various modes of inheritance.
Primary familial hypertrophic cardiomyopathy (HCM). Identifiers: Orphanet 99739, MedGen C0949658, MeSH D024741, MONDO:0024573. Inheritance: Various modes of inheritance.

Allele frequency attached by ClinVar (database versions not stated): ExAC 0.00008; gnomAD exomes 0.00010; TOPMed 0.00013; gnomAD 0.00015 and 0.00016.

Submissions (12):

GeneDx
Classification: Uncertain significance. Last evaluated: 2026-01-29. Review status: criteria provided, single submitter. Criteria: GeneDx Variant Classification Process June 2021. Collection method: clinical testing. Allele origin: germline.
Comment: Has been reported in individuals with cardiomyopathy in published literature (PMID: 31308319, 28082330, 30847666); In silico analysis supports that this missense variant has a deleterious effect on protein structure/function; This variant is associated with the following publications: (PMID: 28082330, 31308319, 30847666)

Labcorp Genetics (formerly Invitae), Labcorp
Classification: Uncertain significance for Hypertrophic cardiomyopathy 14. Last evaluated: 2026-01-26. Review status: criteria provided, single submitter. Criteria: Invitae Variant Classification Sherloc (09022015). Collection method: clinical testing. Allele origin: germline.
Comment: This sequence change replaces alanine, which is neutral and non-polar, with threonine, which is neutral and polar, at codon 1765 of the MYH6 protein (p.Ala1765Thr). This variant is present in population databases (rs397516775, gnomAD 0.02%). This missense change has been observed in individual(s) with hypertrophic cardiomyopathy (PMID: 28082330, 31308319). ClinVar contains an entry for this variant (Variation ID: 44533). Invitae Evidence Modeling of protein sequence and biophysical properties (such as structural, functional, and spatial information, amino acid conservation, physicochemical variation, residue mobility, and thermodynamic stability) indicates that this missense variant is not expected to disrupt MYH6 protein function with a negative predictive value of 80%. In summary, the available evidence is currently insufficient to determine the role of this variant in disease. Therefore, it has been classified as a Variant of Uncertain Significance.

Blueprint Genetics
Classification: Likely benign. Last evaluated: 2024-08-06. Review status: criteria provided, single submitter. Criteria: ACMG Guidelines, 2015. Collection method: clinical testing. Allele origin: germline.

Women's Health and Genetics/Laboratory Corporation of America, LabCorp
Classification: Likely benign. Last evaluated: 2023-03-21. Review status: criteria provided, single submitter. Criteria: LabCorp Variant Classification Summary - May 2015. Collection method: clinical testing. Allele origin: germline.
Comment: Variant summary: MYH6 c.5293G>A (p.Ala1765Thr) results in a non-conservative amino acid change located in the myosin tail domain (IPR002928) of the encoded protein sequence. Four of five in-silico tools predict a damaging effect of the variant on protein function. The variant allele was found at a frequency of 0.0001 in 251412 control chromosomes, predominantly at a frequency of 0.00021 within the Non-Finnish European subpopulation in the gnomAD database. The observed variant frequency within Non-Finnish European control individuals in the gnomAD database is approximately 8-fold of the estimated maximal expected allele frequency for a pathogenic variant in MYH6 causing Hypertrophic Cardiomyopathy phenotype (2.5e-05), suggesting that the variant is a benign polymorphism found primarily in populations of Non-Finnish European origin. c.5293G>A has been reported in the literature as a VUS in settings of multigene panel testing in at least two individuals affected with Hypertrophic Cardiomyopathy and in an individual affected with an unknown/unspecified cardiomyopathy (e.g. Walsh_2017, Tran_2019, van Lint_2019). These reports do not provide unequivocal conclusions about association of the variant with Hypertrophic Cardiomyopathy. To our knowledge, no experimental evidence demonstrating an impact on protein function has been reported. Four submitters have provided clinical-significance assessments for this variant to ClinVar after 2014 and all classified the variant as uncertain significance. Based on the evidence outlined above, the variant was classified as likely benign.

Ambry Genetics
Classification: Uncertain significance for Cardiovascular phenotype. Last evaluated: 2021-09-16. Review status: criteria provided, single submitter. Criteria: Ambry General Variant Classification Scheme_2022. Collection method: clinical testing. Allele origin: germline. Observed: 1 variant allele.
Comment: The p.A1765T variant (also known as c.5293G>A), located in coding exon 34 of the MYH6 gene, results from a G to A substitution at nucleotide position 5293. The alanine at codon 1765 is replaced by threonine, an amino acid with similar properties. This variant co-occurred with variants in other cardiac-related genes in an individual with unspecified cardiomyopathy (van Lint FHM et al. Neth Heart J. 2019 Jun;27(6):304-309). This amino acid position is highly conserved in available vertebrate species. In addition, the in silico prediction for this alteration is inconclusive. Since supporting evidence is limited at this time, the clinical significance of this alteration remains unclear.

Fulgent Genetics
Classification: Uncertain significance for Hypertrophic cardiomyopathy 1; Hypertrophic cardiomyopathy 14; Dilated cardiomyopathy 1EE; Atrial septal defect 3; Sick sinus syndrome 3, susceptibility to. Last evaluated: 2021-07-26. Review status: criteria provided, single submitter. Criteria: ACMG Guidelines, 2015. Collection method: clinical testing. Allele origin: unknown.

CHEO Genetics Diagnostic Laboratory, Children's Hospital of Eastern Ontario
Classification: Uncertain significance for Cardiomyopathy. Last evaluated: 2017-01-04. Review status: criteria provided, single submitter. Criteria: ACMG Guidelines, 2015. Collection method: clinical testing. Allele origin: germline. Study: Canadian Open Genetics Repository.

Laboratory for Molecular Medicine, Mass General Brigham Personalized Medicine
Classification: Uncertain significance. Last evaluated: 2012-01-24. Review status: criteria provided, single submitter. Criteria: LMM Criteria. Collection method: clinical testing. Allele origin: germline. Observed: 1 variant allele.
Comment: The Ala1765Thr variant (MYH6) has not been reported in the literature nor previo usly identified by our laboratory. Alanine (Ala) at position 1765 is conserved i n mammals and in evolutionarily distant species, but computational analyses (bio chemical amino acid properties, AlignGVGD, PolyPhen2, and SIFT) do not provide s trong support for or against an impact to the protein. Additional information is needed to fully assess the clinical significance of the Ala1765Thr variant.

Molecular Diagnostic Laboratory for Inherited Cardiovascular Disease, Montreal Heart Institute
Classification: Uncertain significance for Primary familial hypertrophic cardiomyopathy. Review status: criteria provided, single submitter. Criteria: ACMG Guidelines, 2015. Collection method: clinical testing. Allele origin: germline. Affected: yes.

Clinical Genetics DNA and cytogenetics Diagnostics Lab, Erasmus MC, Erasmus Medical Center
Classification: Uncertain significance. Review status: no assertion criteria provided. Collection method: clinical testing. Allele origin: germline. Affected: yes. Study: VKGL Data-share Consensus. Not counted in ClinVar's aggregate classification.

Clinical Genetics, Academic Medical Center
Classification: Uncertain significance. Review status: no assertion criteria provided. Collection method: clinical testing. Allele origin: germline. Affected: yes. Study: VKGL Data-share Consensus. Not counted in ClinVar's aggregate classification.

Genome Diagnostics Laboratory, University Medical Center Utrecht
Classification: Uncertain significance. Review status: no assertion criteria provided. Collection method: clinical testing. Allele origin: germline. Affected: yes. Study: VKGL Data-share Consensus. Not counted in ClinVar's aggregate classification.

Literature cited by the submitters: PubMed 28082330 (cited by Labcorp Genetics (formerly Invitae), Labcorp and Women's Health and Genetics/Laboratory Corporation of America, LabCorp); PubMed 31308319 (cited by Labcorp Genetics (formerly Invitae), Labcorp and Women's Health and Genetics/Laboratory Corporation of America, LabCorp); PubMed 30847666 (cited by Women's Health and Genetics/Laboratory Corporation of America, LabCorp and Ambry Genetics).

NM_002471.4(MYH6):c.5293G>A (p.Ala1765Thr)

Gene: MYH6 (myosin heavy chain 6; minus strand). Cytogenetic location: 14q11.2.
Variant type: single nucleotide variant.
Coding change: c.5293G>A on transcript NM_002471.4 (MANE Select); coding-DNA position 5293, G replaced by A.
Protein change: p.Ala1765Thr; replaces alanine 1765 with threonine.
Molecular consequence: missense variant.
Genome position (GRCh38, 1-based): chr14:23,384,714, C>T on the plus strand (G>A on the coding strand, the complement: MYH6 is on the minus strand). VCF-style: chr14-23384714-C-T. GRCh37 (hg19) VCF-style: chr14-23853923-C-T.
Other names: short protein forms A1765T.
Identifiers: ClinVar variation 44533 (VCV000044533.29), dbSNP rs397516775, ClinGen allele CA134466.